The following is an entry in ClinVar:

ClinVar aggregate classification (germline): Pathogenic/Likely pathogenic. Review status: criteria provided, multiple submitters, no conflicts (2 of 4 stars). 3 submissions from 3 submitters: Pathogenic (2); Likely pathogenic (1). Last evaluated 2024-04-06.

Conditions:
Familial thoracic aortic aneurysm and aortic dissection (TAAD). Also called: Thoracic aortic aneurysms and dissections. Identifiers: Orphanet 91387, MedGen C4707243, MONDO:0019625.
Loeys-Dietz syndrome 2 (LDS2). Also called: TGFBR2-Related Loeys-Dietz Syndrome; Marfan Syndrome type 2; Marfan like connective tissue disorder; MFS 2; Marfan syndrome, type 2 (formerly); AORTIC ANEURYSM, FAMILIAL THORACIC 3. Identifiers: Orphanet 284973, Orphanet 558, MedGen C2674574, MONDO:0012427, OMIM 610168.

Submissions (3):

Labcorp Genetics (formerly Invitae), Labcorp
Classification: Pathogenic for Familial thoracic aortic aneurysm and aortic dissection. Last evaluated: 2024-04-06. Review status: criteria provided, single submitter. Criteria: Invitae Variant Classification Sherloc (09022015). Collection method: clinical testing. Allele origin: germline.
Comment: This sequence change replaces tyrosine, which is neutral and polar, with aspartic acid, which is acidic and polar, at codon 470 of the TGFBR2 protein (p.Tyr470Asp). This variant is not present in population databases (gnomAD no frequency). This missense change has been observed in individuals with clinical features of Loeys-Dietz syndrome (PMID: 25326637; Invitae). ClinVar contains an entry for this variant (Variation ID: 217016). Advanced modeling performed at Invitae incorporating data from internal and/or published experimental studies (Invitae) indicates that this missense variant is expected to disrupt TGFBR2 function with a positive predictive value of 95%. This variant disrupts the p.Tyr470 amino acid residue in TGFBR2. Other variant(s) that disrupt this residue have been determined to be pathogenic (PMID: 26848186, 27879313; Invitae). This suggests that this residue is clinically significant, and that variants that disrupt this residue are likely to be disease-causing. For these reasons, this variant has been classified as Pathogenic.

Ambry Genetics
Classification: Pathogenic for Familial thoracic aortic aneurysm and aortic dissection. Last evaluated: 2020-02-03. Review status: criteria provided, single submitter. Criteria: Ambry Variant Classification Scheme 2023. Collection method: clinical testing. Allele origin: germline.
Comment: The p.Y470D pathogenic mutation (also known as c.1408T>G), located in coding exon 6 of the TGFBR2 gene, results from a T to G substitution at nucleotide position 1408. The tyrosine at codon 470 is replaced by aspartic acid, an amino acid with highly dissimilar properties. This variant has been previously reported in an individual with suspected Marfan or Loeys-Dietz syndrome (Lee H et al. JAMA 2014 Nov; 312(18):1880-7) and segregates with disease in one family tested in our laboratory (Ambry internal data). In a study of patients with aortic aneurysms/dissections, an alteration of the same codon, p.Y470S (c.1409A>C), in the protein kinase domain was detected in one patient (Waldm&uuml;ller S et al. Eur J Cardiothorac Surg. 2007;31(6):970-5). Phosphorylation of p.Y470 has been shown to be important for TGFBR2 function (Chen X et al. J. Clin. Invest. 2014 Aug; 124(8):3295-310), and TGFBR2 is inactivated in a cancer cell line with p.Y470D as well as a second TGFBR2 substitution (p.K52T; Grady WM et al. Cancer Res. 1999 Jan; 59(2):320-4). Based on the supporting evidence, p.Y470D is interpreted as a disease-causing mutation.

UCLA Clinical Genomics Center, UCLA
Classification: Likely pathogenic for Loeys-Dietz syndrome 2. Last evaluated: 2013-04-30. Review status: criteria provided, single submitter. Criteria: Lee et al. (JAMA. 2014). Collection method: clinical testing. Allele origin: unknown. Inheritance: Autosomal dominant inheritance. Affected: yes. Study: CES.

Literature cited by the submitters: PubMed 25326637 (cited by Labcorp Genetics (formerly Invitae), Labcorp and Ambry Genetics); PubMed 26848186 (cited by Labcorp Genetics (formerly Invitae), Labcorp); PubMed 27879313 (cited by Labcorp Genetics (formerly Invitae), Labcorp); PubMed 17418587 (cited by Ambry Genetics); PubMed 24983314 (cited by Ambry Genetics); PubMed 9927040 (cited by Ambry Genetics).

NM_003242.6(TGFBR2):c.1408T>G (p.Tyr470Asp)

Gene: TGFBR2 (transforming growth factor beta receptor 2; plus strand). Cytogenetic location: 3p24.1.
Variant type: single nucleotide variant.
Coding change: c.1408T>G on transcript NM_003242.6 (MANE Select); coding-DNA position 1408, T replaced by G.
Protein change: p.Tyr470Asp; replaces tyrosine 470 with aspartic acid.
Molecular consequence: missense variant.
Genome position (GRCh38, 1-based): chr3:30,688,395, T>G. VCF-style: chr3-30688395-T-G. GRCh37 (hg19) VCF-style: chr3-30729887-T-G.
Other names: c.1483T>G, p.Tyr495Asp (NM_001024847.3); c.1591T>G, p.Tyr531Asp (NM_001407126.1); c.1516T>G, p.Tyr506Asp (NM_001407127.1); c.1435T>G, p.Tyr479Asp (NM_001407128.1); c.1411T>G, p.Tyr471Asp (NM_001407129.1); c.1405T>G, p.Tyr469Asp (NM_001407130.1); c.1303T>G, p.Tyr435Asp (NM_001407132.1, NM_001407133.1, NM_001407134.1 and 2 more transcripts); c.1123T>G, p.Tyr375Asp (NM_001407137.1); and 2 more; short protein forms Y470D, Y495D, Y180D, Y350D, Y471D, Y506D, Y435D, Y469D.
Identifiers: ClinVar variation 217016 (VCV000217016.12), dbSNP rs863224935, ClinGen allele CA321611.